The following is an entry in ClinVar:

ClinVar aggregate classification (germline): Uncertain significance (1 of 4 stars; one submission).

Submission:

Labcorp Genetics (formerly Invitae), Labcorp
Classification: Uncertain significance. Last evaluated: 2025-05-04. Review status: criteria provided, single submitter. Criteria: Invitae Variant Classification Sherloc (09022015). Collection method: clinical testing. Allele origin: germline.
Comment: This sequence change replaces aspartic acid, which is acidic and polar, with asparagine, which is neutral and polar, at codon 90 of the CFH protein (p.Asp90Asn). This variant is not present in population databases (gnomAD no frequency). This variant has not been reported in the literature in individuals affected with CFH-related conditions. An algorithm developed to predict the effect of missense changes on protein structure and function (PolyPhen-2) suggests that this variant is likely to be disruptive. In summary, the available evidence is currently insufficient to determine the role of this variant in disease. Therefore, it has been classified as a Variant of Uncertain Significance.

NM_000186.4(CFH):c.268G>A (p.Asp90Asn)

Gene: CFH (complement factor H; plus strand). Cytogenetic location: 1q31.3.
Variant type: single nucleotide variant.
Coding change: c.268G>A on transcript NM_000186.4 (MANE Select); coding-DNA position 268, G replaced by A.
Protein change: p.Asp90Asn; replaces aspartic acid 90 with asparagine.
Molecular consequence: missense variant.
Genome position (GRCh38, 1-based): chr1:196,673,880, G>A. VCF-style: chr1-196673880-G-A. GRCh37 (hg19) VCF-style: chr1-196643010-G-A.
Other names: c.268G>A, p.Asp90Asn (NM_001014975.3); short protein forms D90N.
Identifiers: ClinVar variation 4718553 (VCV004718553.1).